The following is an entry in ClinVar:

NM_000535.7(PMS2):c.354-2A>G

Gene: PMS2 (PMS1 homolog 2, mismatch repair system component; minus strand). Cytogenetic location: 7p22.1.
Variant type: single nucleotide variant.
Coding change: c.354-2A>G on transcript NM_000535.7 (MANE Select); the canonical splice acceptor site of the intron before coding-DNA position 354, A replaced by G.
Molecular consequence: splice acceptor variant. On other transcripts: missense variant (9), intron variant (1).
Genome position (GRCh38, 1-based): chr7:6,002,638, T>C on the plus strand (A>G on the coding strand, the complement: PMS2 is on the minus strand). VCF-style: chr7-6002638-T-C. GRCh37 (hg19) VCF-style: chr7-6042269-T-C.
Other names: c.43A>G, p.Ser15Gly (NM_001406875.1, NM_001406877.1, NM_001406878.1 and 6 more transcripts); c.36-2A>G (NM_001322008.2, NM_001406902.1, NM_001406883.1 and 4 more transcripts); c.-52-2A>G (NM_001406895.1, NM_001406911.1, NM_001322010.2 and 24 more transcripts); c.-531-2A>G (NM_001322012.2, NM_001322011.2); c.250+1334A>G (NM_001406885.1); c.354-2A>G (NM_001406886.1, NM_001406884.1, NM_001406874.1 and 8 more transcripts); c.378-2A>G (NM_001406868.1); c.540-2A>G (NM_001406866.1); short protein forms S15G.
Identifiers: ClinVar variation 185340 (VCV000185340.27), dbSNP rs786202098, ClinGen allele CA011940.

ClinVar aggregate classification (germline): Pathogenic/Likely pathogenic. Review status: criteria provided, multiple submitters, no conflicts (2 of 4 stars). 10 submissions from 10 submitters: Pathogenic (8); Likely pathogenic (1). 1 of the submissions does not count toward it. Last evaluated 2026-01-13.

Conditions:
Hereditary nonpolyposis colorectal neoplasms. Identifiers: MedGen C0009405, MeSH D003123.
Lynch syndrome. Identifiers: Orphanet 144, MedGen C4552100, MONDO:0005835. Disease mechanism: loss of function.
Hereditary cancer-predisposing syndrome. Also called: Neoplastic Syndromes, Hereditary; Hereditary neoplastic syndrome; Tumor predisposition; Hereditary Cancer Syndrome. Identifiers: Orphanet 140162, MedGen C0027672, MeSH D009386, MONDO:0015356.
Lynch syndrome 4 (LYNCH4). Also called: Colorectal cancer, hereditary nonpolyposis, type 4; Hereditary non-polyposis colorectal cancer, type 4. Identifiers: Orphanet 144, MedGen C1838333, MONDO:0013699, OMIM 614337. Disease mechanism: loss of function.

Allele frequency attached by ClinVar (database versions not stated): TOPMed 0.00001.

Submissions (10):

Labcorp Genetics (formerly Invitae), Labcorp
Classification: Pathogenic for Hereditary nonpolyposis colorectal neoplasms. Last evaluated: 2026-01-13. Review status: criteria provided, single submitter. Criteria: Invitae Variant Classification Sherloc (09022015). Collection method: clinical testing. Allele origin: germline.
Comment: This sequence change affects an acceptor splice site in intron 4 of the PMS2 gene. RNA analysis indicates that disruption of this splice site induces altered splicing and may result in an absent or altered protein product. This variant is not present in population databases (gnomAD no frequency). Disruption of this splice site has been observed in individual(s) with colon cancer (PMID: 26895986; internal data). ClinVar contains an entry for this variant (Variation ID: 185340). Studies have shown that disruption of this splice site results in activation of a cryptic splice site, and produces a non-functional protein and/or introduces a premature termination codon (internal data). For these reasons, this variant has been classified as Pathogenic.

GeneDx
Classification: Pathogenic. Last evaluated: 2025-09-18. Review status: criteria provided, single submitter. Criteria: GeneDx Variant Classification Process June 2021. Collection method: clinical testing. Allele origin: germline.
Comment: Canonical splice site variant predicted to result in a null allele in a gene for which loss of function is a known mechanism of disease; Not observed at significant frequency in large population cohorts (gnomAD); This variant is associated with the following publications: (PMID: 24362816, 33259954, 26895986, 25856668)

Ambry Genetics
Classification: Pathogenic for Hereditary cancer-predisposing syndrome. Last evaluated: 2025-07-30. Review status: criteria provided, single submitter. Criteria: Ambry Variant Classification Scheme 2023. Collection method: clinical testing. Allele origin: germline.
Comment: The c.354-2A>G intronic pathogenic mutation results from an A to G substitution two nucleotides before coding exon 5 in the PMS2 gene. This alteration has been identified in a family that met Amsterdam I criteria for Lynch syndrome and in multiple, unrelated patients with colorectal cancers exhibiting high microsatellite instability and/or isolated loss of PMS2 on immunohistochemistry (IHC) (Rosty C et al. BMJ Open. 2016 Feb;6(2):e010293; Ambry internal data). This variant is considered to be rare based on population cohorts in the Genome Aggregation Database (gnomAD). This nucleotide position is highly conserved in available vertebrate species. In silico splice site analysis predicts that this alteration will weaken the native splice acceptor site and will result in the creation or strengthening of a novel splice acceptor site. RNA studies have demonstrated that this alteration results in abnormal splicing in the set of samples tested (Ambry internal data). Alterations that disrupt the canonical splice site are expected to cause aberrant splicing, resulting in an abnormal protein or a transcript that is subject to nonsense-mediated mRNA decay. As such, this alteration is classified as a disease-causing mutation.

All of Us Research Program, National Institutes of Health
Classification: Pathogenic for Lynch syndrome. Last evaluated: 2024-06-09. Review status: criteria provided, single submitter. Criteria: ACMG Guidelines, 2015. Collection method: clinical testing. Allele origin: germline. Inheritance: Autosomal dominant inheritance. Observed: 2 variant alleles, 2 heterozygotes.
Comment: This variant causes an A to G nucleotide substitution at the -2 position of intron 4 of the PMS2 gene. Splice site prediction tools predict that this variant may have a significant impact on RNA splicing. Although this prediction has not been confirmed in published RNA studies, this variant is expected to result in an absent or disrupted protein product. This variant has been reported in individuals affected with Lynch syndrome-associated disease that exhibited loss of PMS2 protein by immunohistochemistry analyses or high microsatellite instability (PMID: 2689598, 33259954; ClinVar SCV000215416.6). This variant has not been identified in the general population by the Genome Aggregation Database (gnomAD). A different variant affecting the same canonical splice acceptor site at the -1 position, c.354-1G>A, has been described to be disease-causing (ClinVar variation ID: 187726). Loss of PMS2 function is a known mechanism of disease. Based on the available evidence, this variant is classified as Pathogenic.

This study involves interpretation of variants in research participants for the purpose of population health screening. Participant phenotype was not available at the time of variant classification. Additional details can be found in publication PMID: 35346344, PMCID: PMC8962531

Baylor Genetics
Classification: Pathogenic for Lynch syndrome 4. Last evaluated: 2024-01-22. Review status: criteria provided, single submitter. Criteria: ACMG Guidelines, 2015. Collection method: clinical testing. Allele origin: unknown.

Color Diagnostics, LLC DBA Color Health
Classification: Pathogenic for Hereditary cancer-predisposing syndrome. Last evaluated: 2024-01-02. Review status: criteria provided, single submitter. Criteria: ACMG Guidelines, 2015. Collection method: clinical testing. Allele origin: germline.
Comment: This variant causes an A to G nucleotide substitution at the -2 position of intron 4 of the PMS2 gene. Splice site prediction tools predict that this variant may have a significant impact on RNA splicing. Although this prediction has not been confirmed in published RNA studies, this variant is expected to result in an absent or disrupted protein product. This variant has been reported in individuals affected with Lynch syndrome-associated disease that exhibited loss of PMS2 protein by immunohistochemistry analyses or high microsatellite instability (PMID: 2689598, 33259954; ClinVar SCV000215416.6). This variant has not been identified in the general population by the Genome Aggregation Database (gnomAD). A different variant affecting the same canonical splice acceptor site at the -1 position, c.354-1G>A, has been described to be disease-causing (ClinVar variation ID: 187726). Loss of PMS2 function is a known mechanism of disease. Based on the available evidence, this variant is classified as Pathogenic.

Myriad Genetics, Inc.
Classification: Likely pathogenic for Lynch syndrome 4. Last evaluated: 2023-09-18. Review status: criteria provided, single submitter. Criteria: Myriad Autosomal Dominant, Autosomal Recessive and X-Linked Classification Criteria (2023). Collection method: clinical testing. Allele origin: unknown.
Comment: This variant is considered likely pathogenic. This variant occurs within a consensus splice junction and is predicted to result in abnormal mRNA splicing of either an out-of-frame exon or an in-frame exon necessary for protein stability and/or normal function.

Quest Diagnostics Nichols Institute San Juan Capistrano
Classification: Pathogenic. Last evaluated: 2023-08-03. Review status: criteria provided, single submitter. Criteria: Quest Diagnostics criteria. Collection method: clinical testing. Allele origin: unknown.
Comment: The PMS2 c.354-2A>G variant disrupts a canonical splice-acceptor site and interferes with normal PMS2 mRNA splicing, resulting in the loss of a functional protein. In the published literature, this variant has been reported in individuals with colorectal cancer (PMIDs: 33259954 (2021), 26895986 (2016), 25856668 (2015)). This variant has not been reported in large, multi-ethnic general populations (Genome Aggregation Database). Based on the available information, this variant is classified as pathogenic.

Sema4
Classification: Pathogenic for Hereditary cancer-predisposing syndrome. Last evaluated: 2021-08-02. Review status: criteria provided, single submitter. Criteria: Sema4 Curation Guidelines. Collection method: curation. Allele origin: germline.
Comment: The PMS2 c.354-2A>G variant has been reported in heterozygosity in at least two individuals with colorectal cancer (PMID: 26895986, 33259954). Tumors found in these patients exhibit loss of PMS2 protein expression (PMID: 26895986, 33259954). This variant is predicted to abolish the canonical splice site leading to an abnormal or absent protein (loss of function). Loss of function variants in PMS2 are known to be pathogenic (PMID: 24362816). This variant is not reported in the population database Genome Aggregation Database (PMID: 32461654) but has been reported in ClinVar (Variation ID: 185340). Based on the current evidence available, this variant is interpreted as pathogenic.

Department of Pathology and Laboratory Medicine, Sinai Health System
Classification: Uncertain significance. Review status: no assertion criteria provided. Collection method: clinical testing. Allele origin: unknown. Affected: yes. Study: The Canadian Open Genetics Repository (COGR). Not counted in ClinVar's aggregate classification.

Literature cited by the submitters: PubMed 26895986 (cited by 4 submitters); PubMed 2689598 (cited by All of Us Research Program, National Institutes of Health and Color Diagnostics, LLC DBA Color Health); PubMed 33259954 (cited by 4 submitters); PubMed 25856668 (cited by Quest Diagnostics Nichols Institute San Juan Capistrano); PubMed 24362816 (cited by Sema4).